The following is an entry in ClinVar:

ClinVar aggregate classification (germline): Uncertain significance. Review status: criteria provided, multiple submitters, no conflicts (2 of 4 stars). 3 submissions from 3 submitters: Uncertain significance (3). Last evaluated 2024-12-08.

Conditions:
Hereditary cancer-predisposing syndrome. Also called: Neoplastic Syndromes, Hereditary; Tumor predisposition; Hereditary neoplastic syndrome; Hereditary Cancer Syndrome. Identifiers: Orphanet 140162, MedGen C0027672, MeSH D009386, MONDO:0015356.
Hereditary nonpolyposis colorectal neoplasms. Identifiers: MedGen C0009405, MeSH D003123.

Allele frequency attached by ClinVar (database versions not stated): TOPMed below 0.00001; gnomAD 0.00001.
gnomAD v4.1: 2 of 1,613,812 alleles (0.00012%); highest among the groups gnomAD compares: Admixed American, 0.0033%; no homozygotes.

Submissions (3):

Labcorp Genetics (formerly Invitae), Labcorp
Classification: Uncertain significance for Hereditary nonpolyposis colorectal neoplasms. Last evaluated: 2024-12-08. Review status: criteria provided, single submitter. Criteria: Invitae Variant Classification Sherloc (09022015). Collection method: clinical testing. Allele origin: germline.
Comment: This sequence change replaces leucine, which is neutral and non-polar, with phenylalanine, which is neutral and non-polar, at codon 1150 of the MSH6 protein (p.Leu1150Phe). This variant is present in population databases (no rsID available, gnomAD 0.003%). This variant has not been reported in the literature in individuals affected with MSH6-related conditions. ClinVar contains an entry for this variant (Variation ID: 823789). Invitae Evidence Modeling of protein sequence and biophysical properties (such as structural, functional, and spatial information, amino acid conservation, physicochemical variation, residue mobility, and thermodynamic stability) indicates that this missense variant is not expected to disrupt MSH6 protein function with a negative predictive value of 95%. In summary, the available evidence is currently insufficient to determine the role of this variant in disease. Therefore, it has been classified as a Variant of Uncertain Significance.

Ambry Genetics
Classification: Uncertain significance for Hereditary cancer-predisposing syndrome. Last evaluated: 2024-10-11. Review status: criteria provided, single submitter. Criteria: Ambry Variant Classification Scheme 2023. Collection method: clinical testing. Allele origin: germline.
Comment: The p.L1150F variant (also known as c.3450A>T), located in coding exon 6 of the MSH6 gene, results from an A to T substitution at nucleotide position 3450. The leucine at codon 1150 is replaced by phenylalanine, an amino acid with highly similar properties. This amino acid position is well conserved in available vertebrate species. In addition, the in silico prediction for this alteration is inconclusive. Since supporting evidence is limited at this time, the clinical significance of this alteration remains unclear.

Quest Diagnostics Nichols Institute San Juan Capistrano
Classification: Uncertain significance. Last evaluated: 2020-07-23. Review status: criteria provided, single submitter. Criteria: Quest Diagnostics criteria. Collection method: clinical testing. Allele origin: unknown.

NM_000179.3(MSH6):c.3450A>T (p.Leu1150Phe)

Gene: MSH6 (mutS homolog 6; plus strand). Cytogenetic location: 2p16.3.
Variant type: single nucleotide variant.
Coding change: c.3450A>T on transcript NM_000179.3 (MANE Select); coding-DNA position 3450, A replaced by T.
Protein change: p.Leu1150Phe; replaces leucine 1150 with phenylalanine.
Molecular consequence: missense variant.
Genome position (GRCh38, 1-based): chr2:47,804,921, A>T. VCF-style: chr2-47804921-A-T. GRCh37 (hg19) VCF-style: chr2-48032060-A-T.
Other names: c.3060A>T, p.Leu1020Phe (NM_001281492.2); c.2544A>T, p.Leu848Phe (NM_001281493.2, NM_001281494.2); short protein forms L1020F, L1150F, L848F.
Identifiers: ClinVar variation 823789 (VCV000823789.15), dbSNP rs762134820, ClinGen allele CA346759976.